The following is an entry in ClinVar:

NM_001365999.1(SZT2):c.6574G>A (p.Val2192Ile)

Gene: SZT2 (SZT2 subunit of KICSTOR complex; plus strand). Cytogenetic location: 1p34.2.
Variant type: single nucleotide variant.
Coding change: c.6574G>A on transcript NM_001365999.1 (MANE Select); coding-DNA position 6574, G replaced by A.
Protein change: p.Val2192Ile; replaces valine 2192 with isoleucine.
Molecular consequence: missense variant.
Genome position (GRCh38, 1-based): chr1:43,438,764, G>A. VCF-style: chr1-43438764-G-A. GRCh37 (hg19) VCF-style: chr1-43904435-G-A.
Other names: c.6403G>A, p.Val2135Ile (NM_015284.4); short protein forms V2192I, V2135I.
Identifiers: ClinVar variation 849275 (VCV000849275.9), dbSNP rs373419730, ClinGen allele CA809948.

ClinVar aggregate classification (germline): Uncertain significance. Review status: criteria provided, multiple submitters, no conflicts (2 of 4 stars). 4 submissions from 4 submitters: Uncertain significance (4). Last evaluated 2023-05-25.

Conditions:
Inborn genetic diseases. Identifiers: MedGen C0950123, MeSH D030342.
Developmental and epileptic encephalopathy, 18 (DEE18). Also called: Early infantile epileptic encephalopathy 18. Identifiers: Orphanet 369894, MedGen C3809624, MONDO:0014201, OMIM 615476.

Allele frequency attached by ClinVar (database versions not stated): ExAC 0.00001; gnomAD 0.00001; gnomAD exomes 0.00002; TOPMed 0.00002; ESP Exome Variant Server 0.00008.
gnomAD v4.1: 24 of 1,614,014 alleles (0.0015%); highest among the groups gnomAD compares: South Asian, 0.0099%; no homozygotes.

Submissions (4):

GeneDx
Classification: Uncertain significance. Last evaluated: 2023-05-25. Review status: criteria provided, single submitter. Criteria: GeneDx Variant Classification Process June 2021. Collection method: clinical testing. Allele origin: germline. Affected: yes.
Comment: Not observed at significant frequency in large population cohorts (gnomAD); In silico analysis supports that this missense variant does not alter protein structure/function; Has not been previously published as pathogenic or benign to our knowledge

Genome-Nilou Lab
Classification: Uncertain significance for Developmental and epileptic encephalopathy, 18. Last evaluated: 2023-04-11. Review status: criteria provided, single submitter. Criteria: ACMG Guidelines, 2015. Collection method: clinical testing. Allele origin: germline. Affected: no.

Ambry Genetics
Classification: Uncertain significance for Inborn genetic diseases. Last evaluated: 2022-06-09. Review status: criteria provided, single submitter. Criteria: Ambry Variant Classification Scheme 2023. Collection method: clinical testing. Allele origin: germline.

Labcorp Genetics (formerly Invitae), Labcorp
Classification: Uncertain significance. Last evaluated: 2022-05-22. Review status: criteria provided, single submitter. Criteria: Invitae Variant Classification Sherloc (09022015). Collection method: clinical testing. Allele origin: germline.
Comment: This sequence change replaces valine, which is neutral and non-polar, with isoleucine, which is neutral and non-polar, at codon 2135 of the SZT2 protein (p.Val2135Ile). This variant is present in population databases (rs373419730, gnomAD 0.01%). This variant has not been reported in the literature in individuals affected with SZT2-related conditions. ClinVar contains an entry for this variant (Variation ID: 849275). Algorithms developed to predict the effect of missense changes on protein structure and function output the following: SIFT: "Tolerated"; PolyPhen-2: "Benign"; Align-GVGD: "Class C0". The isoleucine amino acid residue is found in multiple mammalian species, which suggests that this missense change does not adversely affect protein function. In summary, the available evidence is currently insufficient to determine the role of this variant in disease. Therefore, it has been classified as a Variant of Uncertain Significance.